The following is an entry in ClinVar:

ClinVar aggregate classification (germline): Benign (0 of 4 stars; one submission).

Conditions:
NFXL1-related disorder. Also called: NFXL1-related condition.

Allele frequency attached by ClinVar (database versions not stated): gnomAD exomes 0.00062; ExAC 0.00207; gnomAD 0.00604; TOPMed 0.00668; ESP Exome Variant Server 0.00738; 1000 Genomes Project 0.00799; 1000 Genomes Project 30x 0.00828.
gnomAD v4.1: 1,858 of 1,593,056 alleles (0.12%); highest among the groups gnomAD compares: African/African-American, 2.3%; 21 homozygotes.

Submission:

PreventionGenetics, part of Exact Sciences
Classification: Benign for NFXL1-related condition. Last evaluated: 2019-03-21. Review status: no assertion criteria provided. Collection method: clinical testing. Allele origin: germline.
Comment: This variant is classified as benign based on ACMG/AMP sequence variant interpretation guidelines (Richards et al. 2015 PMID: 25741868, with internal and published modifications).

NM_001278624.2(NFXL1):c.2719A>G (p.Thr907Ala)

Genes: NFXL1 (nuclear transcription factor, X-box binding like 1; minus strand), LOC101927179 (uncharacterized LOC101927179; plus strand). Cytogenetic location: 4p12.
Variant type: single nucleotide variant.
Coding change: c.2719A>G on transcript NM_001278624.2 (MANE Select); coding-DNA position 2719, A replaced by G.
Protein change: p.Thr907Ala; replaces threonine 907 with alanine.
Molecular consequence: missense variant. On other transcripts: non-coding transcript variant (1).
Genome position (GRCh38, 1-based): chr4:47,848,180, T>C on the plus strand (A>G on the coding strand, the complement: NFXL1 is on the minus strand). VCF-style: chr4-47848180-T-C. GRCh37 (hg19) VCF-style: chr4-47850197-T-C.
Other names: c.2719A>G, p.Thr907Ala (NM_001278623.1, NM_152995.6); short protein forms T907A.
Identifiers: ClinVar variation 3049869 (VCV003049869.2), dbSNP rs61730179, ClinGen allele CA2910211.